The following is an entry in ClinVar:

ClinVar aggregate classification (germline): Uncertain significance. Review status: criteria provided, multiple submitters, no conflicts (2 of 4 stars). 3 submissions from 3 submitters: Uncertain significance (3). Last evaluated 2025-09-04.

Conditions:
MYH9-related disorder. Identifiers: MedGen C1854520.
Autosomal dominant nonsyndromic hearing loss 17. Also called: Deafness, autosomal dominant 17; Autosomal dominant nonsyndromic deafness 17. Identifiers: Orphanet 90635, MedGen C1863659, MONDO:0011350, OMIM 603622.
Macrothrombocytopenia and granulocyte inclusions with or without nephritis or sensorineural hearing loss (MATINS). Also called: MAY-HEGGLIN ANOMALY; DOHLE LEUKOCYTE INCLUSIONS WITH GIANT PLATELETS; MACROTHROMBOCYTOPENIA WITH LEUKOCYTE INCLUSIONS; BLEEDING DISORDER, PLATELET-TYPE, 6; SEBASTIAN PLATELET SYNDROME; MACROTHROMBOCYTOPENIA WITH DISPERSED LEUKOCYTIC INCLUSIONS. Identifiers: Orphanet 182050, MedGen C5200934, MONDO:0015912, OMIM 155100.

Allele frequency attached by ClinVar (database versions not stated): gnomAD exomes below 0.00001 and 0.00001.
gnomAD v4.1: 6 of 1,614,166 alleles (0.00037%); highest among the groups gnomAD compares: Admixed American, 0.0033%; no homozygotes.

Submissions (3):

PreventionGenetics, part of Exact Sciences
Classification: Uncertain significance for MYH9-related condition. Last evaluated: 2025-09-04. Review status: criteria provided, single submitter. Criteria: ACMG Guidelines, 2015. Collection method: clinical testing. Allele origin: germline.
Comment: The MYH9 c.278A>G variant is predicted to result in the amino acid substitution p.Asn93Ser. This variant was reported in an individual with focal segmental glomerulosclerosis (Table S3, Wang et al. 2019. PubMed ID: 31308072). This variant is reported in 0.0058% of alleles in individuals of Latino descent in gnomAD. At this time, the clinical significance of this variant is uncertain due to the absence of conclusive functional and genetic evidence.

Fulgent Genetics
Classification: Uncertain significance for Macrothrombocytopenia and granulocyte inclusions with or without nephritis or sensorineural hearing loss; Autosomal dominant nonsyndromic hearing loss 17. Last evaluated: 2021-10-04. Review status: criteria provided, single submitter. Criteria: ACMG Guidelines, 2015. Collection method: clinical testing. Allele origin: unknown.

GeneDx
Classification: Uncertain significance. Last evaluated: 2019-04-04. Review status: criteria provided, single submitter. Criteria: GeneDx Variant Classification Process June 2021. Collection method: clinical testing. Allele origin: germline. Affected: yes.
Comment: Has not been previously published as pathogenic or benign to our knowledge; however, different missense changes at this residue (N93D, N93K) have been reported in individuals with MYH9-related disorders (Stenson et al., 2014); In silico analysis, which includes protein predictors and evolutionary conservation, supports a deleterious effect as this variant is located within the myosin motor domain

NM_002473.6(MYH9):c.278A>G (p.Asn93Ser)

Gene: MYH9 (myosin heavy chain 9; minus strand). Cytogenetic location: 22q12.3.
Variant type: single nucleotide variant.
Coding change: c.278A>G on transcript NM_002473.6 (MANE Select); coding-DNA position 278, A replaced by G.
Protein change: p.Asn93Ser; replaces asparagine 93 with serine.
Molecular consequence: missense variant.
Genome position (GRCh38, 1-based): chr22:36,348,959, T>C on the plus strand (A>G on the coding strand, the complement: MYH9 is on the minus strand). VCF-style: chr22-36348959-T-C. GRCh37 (hg19) VCF-style: chr22-36745004-T-C.
Other names: c.278A>G (NM_002473.5); short protein forms N93S.
Identifiers: ClinVar variation 1302213 (VCV001302213.4), dbSNP rs1359996610, ClinGen allele CA411549140.